The following is an entry in ClinVar:

NM_014270.5(SLC7A9):c.217G>C (p.Gly73Arg)

Gene: SLC7A9 (solute carrier family 7 member 9; minus strand). Cytogenetic location: 19q13.11.
Variant type: single nucleotide variant.
Coding change: c.217G>C on transcript NM_014270.5 (MANE Select); coding-DNA position 217, G replaced by C.
Protein change: p.Gly73Arg; replaces glycine 73 with arginine.
Molecular consequence: missense variant.
Genome position (GRCh38, 1-based): chr19:32,864,647, C>G on the plus strand (G>C on the coding strand, the complement: SLC7A9 is on the minus strand). VCF-style: chr19-32864647-C-G. GRCh37 (hg19) VCF-style: chr19-33355553-C-G.
Other names: c.217G>C, p.Gly73Arg (NM_001126335.2, NM_001243036.2); short protein forms G73R.
Identifiers: ClinVar variation 2994980 (VCV002994980.4), dbSNP rs138156402, ClinGen allele CA9358918.

ClinVar aggregate classification (germline): Conflicting classifications of pathogenicity. Review status: criteria provided, conflicting classifications (1 of 4 stars). 2 submissions from 2 submitters: Pathogenic (1); Uncertain significance (1). Last evaluated 2024-04-02.

Conditions:
Cystinuria (CSNU). Also called: Cystinuria, non-type I; CYSTINURIA, TYPE I; CYSTINURIA, TYPE II; CYSTINURIA, TYPE III. Identifiers: Orphanet 214, MedGen C0010691, MONDO:0009067, OMIM 220100, HP:0003131.

Allele frequency attached by ClinVar (database versions not stated): ExAC 0.00001.
gnomAD v4.1: 5 of 1,613,794 alleles (0.00031%); highest among the groups gnomAD compares: Non-Finnish European, 0.00042%; no homozygotes.

Submissions (2):

Fulgent Genetics
Classification: Uncertain significance for Cystinuria. Last evaluated: 2024-04-02. Review status: criteria provided, single submitter. Criteria: ACMG Guidelines, 2015. Collection method: clinical testing. Allele origin: germline.

Labcorp Genetics (formerly Invitae), Labcorp
Classification: Pathogenic. Last evaluated: 2022-11-20. Review status: criteria provided, single submitter. Criteria: Invitae Variant Classification Sherloc (09022015). Collection method: clinical testing. Allele origin: germline.
Comment: Advanced modeling of protein sequence and biophysical properties (such as structural, functional, and spatial information, amino acid conservation, physicochemical variation, residue mobility, and thermodynamic stability) performed at Invitae indicates that this missense variant is expected to disrupt SLC7A9 protein function. A different variant (c.217G>A) giving rise to the same protein effect has been determined to be pathogenic (PMID: 23532419; Invitae). This suggests that this variant is also likely to be causative of disease. This variant is present in population databases (rs138156402, gnomAD 0.002%). This sequence change replaces glycine, which is neutral and non-polar, with arginine, which is basic and polar, at codon 73 of the SLC7A9 protein (p.Gly73Arg). For these reasons, this variant has been classified as Pathogenic.

Literature cited by the submitters: PubMed 23532419 (cited by Labcorp Genetics (formerly Invitae), Labcorp).